The following is an entry in ClinVar:

ClinVar aggregate classification (germline): Uncertain significance (1 of 4 stars; one submission).

Allele frequency attached by ClinVar (database versions not stated): gnomAD exomes 0.00001; gnomAD 0.00002; TOPMed 0.00002.
gnomAD v4.1: 24 of 1,613,958 alleles (0.0015%); highest among the groups gnomAD compares: Non-Finnish European, 0.0019%; no homozygotes.

Submission:

Labcorp Genetics (formerly Invitae), Labcorp
Classification: Uncertain significance. Last evaluated: 2023-10-07. Review status: criteria provided, single submitter. Criteria: Invitae Variant Classification Sherloc (09022015). Collection method: clinical testing. Allele origin: germline.
Comment: This sequence change replaces proline, which is neutral and non-polar, with arginine, which is basic and polar, at codon 878 of the ARHGEF10 protein (p.Pro878Arg). This variant is present in population databases (no rsID available, gnomAD 0.0009%). This variant has not been reported in the literature in individuals affected with ARHGEF10-related conditions. ClinVar contains an entry for this variant (Variation ID: 1898571). Advanced modeling of protein sequence and biophysical properties (such as structural, functional, and spatial information, amino acid conservation, physicochemical variation, residue mobility, and thermodynamic stability) has been performed at Invitae for this missense variant, however the output from this modeling did not meet the statistical confidence thresholds required to predict the impact of this variant on ARHGEF10 protein function. In summary, the available evidence is currently insufficient to determine the role of this variant in disease. Therefore, it has been classified as a Variant of Uncertain Significance.

NM_014629.4(ARHGEF10):c.2633C>G (p.Pro878Arg)

Gene: ARHGEF10 (Rho guanine nucleotide exchange factor 10; plus strand). Cytogenetic location: 8p23.3.
Variant type: single nucleotide variant.
Coding change: c.2633C>G on transcript NM_014629.4 (MANE Select); coding-DNA position 2633, C replaced by G.
Protein change: p.Pro878Arg; replaces proline 878 with arginine.
Molecular consequence: missense variant.
Genome position (GRCh38, 1-based): chr8:1,926,399, C>G. VCF-style: chr8-1926399-C-G. GRCh37 (hg19) VCF-style: chr8-1874565-C-G.
Other names: c.2519C>G, p.Pro840Arg (NM_001308152.2); c.2633C>G, p.Pro878Arg (NM_001308153.3); short protein forms P840R, P902R, P878R.
Identifiers: ClinVar variation 1898571 (VCV001898571.5), dbSNP rs1329188891, ClinGen allele CA369967039.
Genomic context (GRCh38, chr8:1,926,399, plus strand): 5'-TGTTTTATATGTGAGCGTTTGATTTTATTCCATTTTAGATTGAATGTGCTGCTTATAACC[C>G]TGAACCTTACCTAAATAATGAAAGCCAGCCAGATTCATTTTCCACGGCACATGGTTTCCT-3'
Protein context (NP_055444.2, residues 868-888): EFKIECAAYN[Pro878Arg]EPYLNNESQP